The following is an entry in ClinVar:

NM_003673.4(TCAP):c.204G>A (p.Met68Ile)

Gene: TCAP (titin-cap; plus strand). Cytogenetic location: 17q12.
Variant type: single nucleotide variant.
Coding change: c.204G>A on transcript NM_003673.4 (MANE Select); coding-DNA position 204, G replaced by A.
Protein change: p.Met68Ile; replaces methionine 68 with isoleucine.
Molecular consequence: missense variant.
Genome position (GRCh38, 1-based): chr17:39,665,809, G>A. VCF-style: chr17-39665809-G-A. GRCh37 (hg19) VCF-style: chr17-37822062-G-A.
Other names: short protein forms M68I.
Identifiers: ClinVar variation 943053 (VCV000943053.11), dbSNP rs1480109974, ClinGen allele CA399304161.

ClinVar aggregate classification (germline): Uncertain significance. Review status: criteria provided, multiple submitters, no conflicts (2 of 4 stars). 2 submissions from 2 submitters: Uncertain significance (2). Last evaluated 2025-05-03.

Conditions:
Cardiovascular phenotype. Identifiers: MedGen CN230736.
Hypertrophic cardiomyopathy 25 (CMH25). Also called: CARDIOMYOPATHY, FAMILIAL HYPERTROPHIC, 25. Identifiers: MedGen C4225408, MONDO:0011843, OMIM 607487.
Primary familial hypertrophic cardiomyopathy (HCM). Identifiers: Orphanet 99739, MedGen C0949658, MeSH D024741, MONDO:0024573. Inheritance: Various modes of inheritance.

Submissions (2):

Ambry Genetics
Classification: Uncertain significance for Cardiovascular phenotype. Last evaluated: 2025-05-03. Review status: criteria provided, single submitter. Criteria: Ambry Variant Classification Scheme 2023. Collection method: clinical testing. Allele origin: germline.
Comment: The p.M68I variant (also known as c.204G>A), located in coding exon 2 of the TCAP gene, results from a G to A substitution at nucleotide position 204. The methionine at codon 68 is replaced by isoleucine, an amino acid with highly similar properties. This amino acid position is conserved. In addition, this alteration is predicted to be tolerated by in silico analysis. Based on the available evidence, the clinical significance of this variant remains unclear.

Labcorp Genetics (formerly Invitae), Labcorp
Classification: Uncertain significance for Hypertrophic cardiomyopathy 25; Primary familial hypertrophic cardiomyopathy. Last evaluated: 2019-09-19. Review status: criteria provided, single submitter. Criteria: Invitae Variant Classification Sherloc (09022015). Collection method: clinical testing. Allele origin: germline.
Comment: In summary, the available evidence is currently insufficient to determine the role of this variant in disease. Therefore, it has been classified as a Variant of Uncertain Significance. Algorithms developed to predict the effect of missense changes on protein structure and function (SIFT, PolyPhen-2, Align-GVGD) all suggest that this variant is likely to be tolerated, but these predictions have not been confirmed by published functional studies and their clinical significance is uncertain. This variant has not been reported in the literature in individuals with TCAP-related conditions. This variant is not present in population databases (ExAC no frequency). This sequence change replaces methionine with isoleucine at codon 68 of the TCAP protein (p.Met68Ile). The methionine residue is weakly conserved and there is a small physicochemical difference between methionine and isoleucine.